The following is an entry in ClinVar:

NM_017934.7(PHIP):c.3111A>C (p.Ser1037=)

Genes: IRAK1BP1 (interleukin 1 receptor associated kinase 1 binding protein 1; plus strand), PHIP (PHIP subunit of CUL4-Ring ligase complex; minus strand). Cytogenetic location: 6q14.1.
Variant type: single nucleotide variant.
Coding change: c.3111A>C on transcript NM_017934.7 (MANE Select); coding-DNA position 3111, A replaced by C.
Protein change: p.Ser1037=; no amino-acid change (serine 1037 retained).
Molecular consequence: synonymous variant.
Genome position (GRCh38, 1-based): chr6:78,970,060, T>G on the plus strand (A>C on the coding strand, the complement: PHIP is on the minus strand). VCF-style: chr6-78970060-T-G. GRCh37 (hg19) VCF-style: chr6-79679777-T-G.
Other names: c.3111A>C (NM_017934.6).
Identifiers: ClinVar variation 2413579 (VCV002413579.9), dbSNP rs770733757, ClinGen allele CA3899782.
Genomic context (GRCh38, chr6:78,970,060, plus strand): 5'-AACAATCTACAATACTAAGAAAACCATTGCCTCTTTCAACAGTCCTTACTTCATGGTAAA[T>G]GATCCGCCAGTCAGTTTACCAGTATCAGGATCTAGAAAAGCAAGTTTAAGGCAGCAAAGG-3'
Protein context (NP_060404.4, residues 1027-1047): DPDTGKLTGG[Ser1037=]FTMKYHDMPD

ClinVar aggregate classification (germline): Likely benign. Review status: criteria provided, single submitter (1 of 4 stars). 2 submissions from 2 submitters: Likely benign (1). 1 of the submissions does not count toward it. Last evaluated 2023-04-18.

Conditions:
PHIP-related disorder. Also called: PHIP-related disorders; PHIP-related condition.

Allele frequency attached by ClinVar (database versions not stated): gnomAD exomes 0.00001; ExAC 0.00002; TOPMed 0.00002.
gnomAD v4.1: 8 of 1,613,576 alleles (0.0005%); highest among the groups gnomAD compares: Admixed American, 0.013%; no homozygotes.

Submissions (2):

Labcorp Genetics (formerly Invitae), Labcorp
Classification: Likely benign. Last evaluated: 2023-04-18. Review status: criteria provided, single submitter. Criteria: Invitae Variant Classification Sherloc (09022015). Collection method: clinical testing. Allele origin: germline.

PreventionGenetics, part of Exact Sciences
Classification: Likely benign for PHIP-related condition. Last evaluated: 2023-10-25. Review status: no assertion criteria provided. Collection method: clinical testing. Allele origin: germline. Not counted in ClinVar's aggregate classification.
Comment: This variant is classified as likely benign based on ACMG/AMP sequence variant interpretation guidelines (Richards et al. 2015 PMID: 25741868, with internal and published modifications).